The following is an entry in ClinVar:

NM_001034853.2(RPGR):c.633A>G (p.Leu211=)

Gene: RPGR (retinitis pigmentosa GTPase regulator; minus strand). Cytogenetic location: Xp11.4.
Variant type: single nucleotide variant.
Coding change: c.633A>G on transcript NM_001034853.2 (MANE Select); coding-DNA position 633, A replaced by G.
Protein change: p.Leu211=; no amino-acid change (leucine 211 retained).
Molecular consequence: synonymous variant. On other transcripts: non-coding transcript variant (6).
Genome position (GRCh38, 1-based): chrX:38,310,760, T>C on the plus strand (A>G on the coding strand, the complement: RPGR is on the minus strand). VCF-style: chrX-38310760-T-C. GRCh37 (hg19) VCF-style: chrX-38170013-T-C.
Other names: NM_001034853.2(RPGR):c.633A>G; p.Leu211=; c.633A>G, p.Leu211= (NM_000328.3, NM_001367246.1, NM_001367247.1 and 1 more transcripts); c.630A>G, p.Leu210= (NM_001367245.1, NM_001367249.1, NM_001367250.1); c.663A>G, p.Leu221= (NM_001367248.1).
Identifiers: ClinVar variation 2198841 (VCV002198841.5), dbSNP rs760768561, ClinGen allele CA10385609.
Genomic context (GRCh38, chrX:38,310,760, plus strand): 5'-ATTGCCCAGGAGCTGATTGGGAAGACCTAACTTCCCATTCTCAGGTTCTCCAAACACATA[T>C]AGCTCACCATCTGCTATTGAAGGAAAAGTATAGTGATTAGTGATGACATACATATGAACA-3'
Protein context (NP_001030025.1, residues 201-221): HSAFVTTDGE[Leu211=]YVFGEPENGK

ClinVar aggregate classification (germline): Likely benign. Review status: reviewed by expert panel (3 of 4 stars). 2 submissions from 2 submitters: Likely benign (1). 1 of the submissions does not count toward it. Last evaluated 2026-11-20.

Conditions:
Primary ciliary dyskinesia. Also called: Ciliary dyskinesia. Identifiers: Orphanet 244, MedGen C0008780, MONDO:0016575, HP:0012265.
RPGR-related retinopathy. Also called: RPGR retinopathy. Identifiers: MedGen CN305589, MONDO:0100437.

Allele frequency attached by ClinVar (database versions not stated): gnomAD exomes 0.00001; ExAC 0.00002.
gnomAD v4.1: 6 of 1,210,099 alleles (0.0005%); highest among the groups gnomAD compares: South Asian, 0.007%; no homozygotes.

Submissions (2):

ClinGen X-linked Inherited Retinal Disease Variant Curation Expert Panel, ClinGen
Classification: Likely benign for RPGR-related retinopathy. Last evaluated: 2026-11-20. Review status: reviewed by expert panel. Criteria: ClinGen X LinkedIRD ACMG Specifications RPGR V1.0.0. Collection method: curation. Allele origin: germline. Inheritance: X-linked inheritance.
Comment: NM_001034853.2(RPGR):c.633A>G is a silent variant at codon 201 that does not have an impact on splicing sites, according to Splice AI, which predicts a delta score of 0.03 for all splicing types, which is below the ClinGen X-linked IRD VCEP recommended threshold of <0.1 and does not strongly predict an impact on splicing (BP7, BP4). This variant is present in gnomAD v.4.1.2 at a frequency of 0.000002514 among hemizygous individuals, with 1 variant allele / 397713 total hemizygous alleles, which is between the ClinGen X-linked IRD VCEP PM2_Supporting and BS1 thresholds of 0.0000005 to 0.000005 and fails to meet these criteria. In summary, this variant is classified as likely benign for RPGR-related retinopathy based on the ACMG/AMP criteria applied, as specified by the ClinGen X-linked IRD VCEP: BP4 and BP7.

Labcorp Genetics (formerly Invitae), Labcorp
Classification: Likely benign for Primary ciliary dyskinesia. Last evaluated: 2023-10-06. Review status: criteria provided, single submitter. Criteria: Invitae Variant Classification Sherloc (09022015). Collection method: clinical testing. Allele origin: germline. Not counted in ClinVar's aggregate classification.